The following is an entry in ClinVar:

ClinVar aggregate classification (germline): Likely pathogenic (1 of 4 stars; one submission).

Conditions:
Autosomal recessive TOR1AIP1-related disorders.

Submission:

Variantyx, Inc.
Classification: Likely pathogenic for Autosomal recessive TOR1AIP1-related disorders. Last evaluated: 2025-12-29. Review status: criteria provided, single submitter. Criteria: Variantyx Assertion Criteria 2022. Collection method: clinical testing. Allele origin: germline. Inheritance: Autosomal recessive inheritance. Affected: no.
Comment: This is a frameshift variant in the TOR1AIP1 gene (OMIM: 614512). Pathogenic variants in this gene have been associated with autosomal recessive TOR1AIP1-related disorders. This variant introduces a premature termination codon in exon 1 out of 10 and is expected to result in loss of function, which is a known disease mechanism for TOR1AIP1 in this disorder (PMID: 27342937) (PVS1). This variant has a 0.0002% maximum allele frequency in non-founder control populations (PM2) and it has not been reported in individuals with TOR1AIP1-related disorders in the databases available for review. Based on the current evidence, this variant is classified as likely pathogenic for autosomal recessive TOR1AIP1-related disorders.No other variant of clinical significance was identified in the TOR1AIP1 gene.

Literature cited by the submitters: PubMed 27342937.

NM_015602.4(TOR1AIP1):c.301_302del (p.Glu101fs)

Genes: TOR1AIP1 (torsin 1A interacting protein 1; plus strand), LOC112577517 (Sharpr-MPRA regulatory region 13766; plus strand). Cytogenetic location: 1q25.2.
Variant type: Microsatellite.
Coding change: c.301_302del on transcript NM_015602.4 (MANE Select); coding-DNA positions 301 to 302, 2 bases deleted (GA; older notation c.301_302delGA).
Protein change: p.Glu101fs; shifts the reading frame from glutamic acid 101.
Molecular consequence: frameshift variant.
Genome position (GRCh38, 1-based): chr1:179,882,803-179,882,804, GA deleted; deleting any 2 consecutive bases within chr1:179,882,799-179,882,804 gives the same sequence; the c. name uses the placement nearest the transcript's 3' end. VCF-style (leftmost placement, unchanged base first): chr1-179882798-TGA-T. GRCh37 (hg19) VCF-style: chr1-179851933-TGA-T.
Other names: c.301_302del, p.Glu101fs (NM_001267578.2); short protein forms E101fs.
Identifiers: ClinVar variation 4813827 (VCV004813827.1).